The following is an entry in ClinVar:

NM_001080467.3(MYO5B):c.3563A>T (p.Asp1188Val)

Gene: MYO5B (myosin VB; minus strand). Cytogenetic location: 18q21.1.
Variant type: single nucleotide variant.
Coding change: c.3563A>T on transcript NM_001080467.3 (MANE Select); coding-DNA position 3563, A replaced by T.
Protein change: p.Asp1188Val; replaces aspartic acid 1188 with valine.
Molecular consequence: missense variant.
Genome position (GRCh38, 1-based): chr18:49,872,207, T>A on the plus strand (A>T on the coding strand, the complement: MYO5B is on the minus strand). VCF-style: chr18-49872207-T-A. GRCh37 (hg19) VCF-style: chr18-47398577-T-A.
Other names: short protein forms D1188V.
Identifiers: ClinVar variation 1382879 (VCV001382879.6), dbSNP rs376909051, ClinGen allele CA8960670.

ClinVar aggregate classification (germline): Uncertain significance (1 of 4 stars; one submission).

Allele frequency attached by ClinVar (database versions not stated): gnomAD exomes 0.00002 and 0.00005; ExAC 0.00006; 1000 Genomes Project 30x 0.00016; ESP Exome Variant Server 0.00016; 1000 Genomes Project 0.00020; gnomAD 0.00025 and 0.00027; TOPMed 0.00027.
gnomAD v4.1: 72 of 1,614,082 alleles (0.0045%); highest among the groups gnomAD compares: African/African-American, 0.089%; no homozygotes.

Submission:

Labcorp Genetics (formerly Invitae), Labcorp
Classification: Uncertain significance. Last evaluated: 2024-10-14. Review status: criteria provided, single submitter. Criteria: Invitae Variant Classification Sherloc (09022015). Collection method: clinical testing. Allele origin: germline.
Comment: This sequence change replaces aspartic acid, which is acidic and polar, with valine, which is neutral and non-polar, at codon 1188 of the MYO5B protein (p.Asp1188Val). This variant is present in population databases (rs376909051, gnomAD 0.1%). This variant has not been reported in the literature in individuals affected with MYO5B-related conditions. ClinVar contains an entry for this variant (Variation ID: 1382879). An algorithm developed to predict the effect of missense changes on protein structure and function (PolyPhen-2) suggests that this variant¬†is likely to be tolerated. In summary, the available evidence is currently insufficient to determine the role of this variant in disease. Therefore, it has been classified as a Variant of Uncertain Significance.